The following is an entry in ClinVar:

ClinVar aggregate classification (germline): Benign. Review status: reviewed by expert panel (3 of 4 stars). 18 submissions from 17 submitters: Benign (1). 17 of the submissions do not count toward it. Last evaluated 2017-04-03.

Conditions:
Noonan syndrome and Noonan-related syndrome. Identifiers: Orphanet 98733, MedGen C5681679, MONDO:0020297.
Cardiovascular phenotype. Identifiers: MedGen CN230736.
Noonan syndrome 4 (NS4). Also called: NOONAN SYNDROME WITH PIGMENTED VILLONODULAR SYNOVITIS; SOS1-Related Noonan Syndrome. Identifiers: Orphanet 648, MedGen C1853120, MONDO:0012547, OMIM 610733.
Fibromatosis, gingival, 1 (GINGF1). Identifiers: Orphanet 2024, MedGen C4551558, MONDO:0007609, OMIM 135300.
RASopathy. Also called: rasopathies; Noonan spectrum disorder. Identifiers: Orphanet 536391, MedGen C5555857, MONDO:0021060.

Allele frequency attached by ClinVar (database versions not stated): 1000 Genomes Project 30x 0.00047; ESP Exome Variant Server 0.00223; gnomAD 0.00159 and 0.00164; ExAC 0.00190; gnomAD exomes 0.00176 and 0.00249; 1000 Genomes Project 0.00060; TOPMed 0.00142.
gnomAD v4.1: 3,815 of 1,607,362 alleles (0.24%); highest among the groups gnomAD compares: Non-Finnish European, 0.3%; 5 homozygotes.

Submissions (22):

ClinGen RASopathy Variant Curation Expert Panel
Classification: Benign for Noonan syndrome and Noonan-related syndrome. Last evaluated: 2017-04-03. Review status: reviewed by expert panel. Criteria: ClinGen RASopathy ACMG Specifications v1. Collection method: curation. Allele origin: germline. Inheritance: Autosomal dominant inheritance.
Comment: The filtering allele frequency of the c.3032A>G (p.Asn1011Ser) variant in the SOS1 gene is 0.26% for European (Non-Finnish) chromosomes by the Exome Aggregation Consortium (197/66620 with 95% CI), which is a high enough frequency to be classified as benign based on thresholds defined by the ClinGen RASopathy Expert panel for autosomal dominant RASopathy variants (BA1).

CeGaT Center for Human Genetics Tuebingen
Classification: Likely benign. Last evaluated: 2026-07-01. Review status: criteria provided, single submitter. Criteria: CeGaT Center For Human Genetics Tuebingen Variant Classification Criteria Version 2. Collection method: clinical testing. Allele origin: germline. Affected: yes. Observed: 21 variant alleles. Not counted in ClinVar's aggregate classification.
Comment: SOS1: BS1

Labcorp Genetics (formerly Invitae), Labcorp
Classification: Likely benign for RASopathy. Last evaluated: 2026-02-04. Review status: criteria provided, single submitter. Criteria: Invitae Variant Classification Sherloc (09022015). Collection method: clinical testing. Allele origin: germline. Not counted in ClinVar's aggregate classification.

ARUP Laboratories, Molecular Genetics and Genomics, ARUP Laboratories
Classification: Benign. Last evaluated: 2025-07-10. Review status: criteria provided, single submitter. Criteria: ARUP Molecular Germline Variant Investigation Process 2024. Collection method: clinical testing. Allele origin: germline. Not counted in ClinVar's aggregate classification.

Blueprint Genetics
Classification: Likely benign. Last evaluated: 2024-11-22. Review status: criteria provided, single submitter. Criteria: ACMG Guidelines, 2015. Collection method: clinical testing. Allele origin: germline. Not counted in ClinVar's aggregate classification.

Fulgent Genetics
Classification: Likely benign for Fibromatosis, gingival, 1; Noonan syndrome 4. Last evaluated: 2021-07-30. Review status: criteria provided, single submitter. Criteria: ACMG Guidelines, 2015. Collection method: clinical testing. Allele origin: unknown. Not counted in ClinVar's aggregate classification.

Genome Diagnostics Laboratory, The Hospital for Sick Children
Classification: Benign for Noonan syndrome and Noonan-related syndrome. Last evaluated: 2021-03-23. Review status: criteria provided, single submitter. Criteria: ACMG Guidelines, 2015. Collection method: clinical testing. Allele origin: germline. Not counted in ClinVar's aggregate classification.

Ambry Genetics
Classification: Benign for Cardiovascular phenotype. Last evaluated: 2019-01-31. Review status: criteria provided, single submitter. Criteria: Ambry Variant Classification Scheme 2023. Collection method: clinical testing. Allele origin: germline. Not counted in ClinVar's aggregate classification.

Illumina Laboratory Services, Illumina
Classification: Likely benign for Noonan syndrome 4. Last evaluated: 2017-04-27. Review status: criteria provided, single submitter. Criteria: ICSL Variant Classification Criteria 13 December 2019. Collection method: clinical testing. Allele origin: germline. Not counted in ClinVar's aggregate classification.
Comment: This variant was observed as part of a predisposition screen in an ostensibly healthy population. A literature search was performed for the gene, cDNA change, and amino acid change (where applicable). No publications were found based on this search. Allele frequency data from public databases allowed determination this variant is unlikely to cause disease. Therefore, this variant is classified as likely benign.

Illumina Laboratory Services, Illumina
Classification: Likely benign for Fibromatosis, gingival, 1. Last evaluated: 2017-04-27. Review status: criteria provided, single submitter. Criteria: ICSL Variant Classification Criteria 13 December 2019. Collection method: clinical testing. Allele origin: germline. Not counted in ClinVar's aggregate classification.
Comment: the same text as in the submission from Illumina Laboratory Services, Illumina above.

Eurofins Ntd Llc (ga)
Classification: Benign. Last evaluated: 2014-10-20. Review status: criteria provided, single submitter. Criteria: EGL Classification Definitions 2015. Collection method: clinical testing. Allele origin: germline. Observed: 1 variant allele, 1 heterozygote. Not counted in ClinVar's aggregate classification.

GeneDx
Classification: Benign. Last evaluated: 2013-05-20. Review status: criteria provided, single submitter. Criteria: GeneDx Variant Classification (06012015). Collection method: clinical testing. Allele origin: germline. Affected: yes. Not counted in ClinVar's aggregate classification.
Comment: This variant is considered likely benign or benign based on one or more of the following criteria: it is a conservative change, it occurs at a poorly conserved position in the protein, it is predicted to be benign by multiple in silico algorithms, and/or has population frequency not consistent with disease.

Laboratory for Molecular Medicine, Mass General Brigham Personalized Medicine
Classification: Benign. Last evaluated: 2008-02-14. Review status: criteria provided, single submitter. Criteria: LMM Criteria. Collection method: clinical testing. Allele origin: germline. Observed: 11 variant alleles. Not counted in ClinVar's aggregate classification.

PreventionGenetics, part of Exact Sciences
Classification: Benign. Review status: criteria provided, single submitter. Criteria: ACMG Guidelines, 2015. Collection method: clinical testing. Allele origin: germline. Not counted in ClinVar's aggregate classification.

Clinical Genetics DNA and cytogenetics Diagnostics Lab, Erasmus MC, Erasmus Medical Center
Classification: Likely benign. Review status: no assertion criteria provided. Collection method: clinical testing. Allele origin: germline. Affected: yes. Study: VKGL Data-share Consensus. Not counted in ClinVar's aggregate classification.

Clinical Genetics, Academic Medical Center
Classification: Benign. Review status: no assertion criteria provided. Collection method: clinical testing. Allele origin: germline. Affected: yes. Study: VKGL Data-share Consensus. Not counted in ClinVar's aggregate classification.

Dr. Peter K. Rogan Lab, Western University
No classification provided (evidence only). Condition: Familial cancer of breast. Review status: no classification provided. Collection method: in vitro. Allele origin: not applicable. Functional consequence: retained intron. Not counted in ClinVar's aggregate classification.

Dr. Peter K. Rogan Lab, Western University
No classification provided (evidence only). Condition: Familial cancer of breast. Review status: no classification provided. Collection method: in vitro. Allele origin: not applicable. Functional consequence: retained intron. Not counted in ClinVar's aggregate classification.

Dr. Peter K. Rogan Lab, Western University
No classification provided (evidence only). Condition: Acute myeloid leukemia. Review status: no classification provided. Collection method: in vitro. Allele origin: not applicable. Functional consequence: retained intron. Not counted in ClinVar's aggregate classification.

Dr. Peter K. Rogan Lab, Western University
No classification provided (evidence only). Condition: Ovarian serous cystadenocarcinoma. Review status: no classification provided. Collection method: in vitro. Allele origin: not applicable. Functional consequence: retained intron. Not counted in ClinVar's aggregate classification.

Genome Diagnostics Laboratory, University Medical Center Utrecht
Classification: Likely benign. Review status: no assertion criteria provided. Collection method: clinical testing. Allele origin: germline. Affected: yes. Study: VKGL Data-share Consensus. Not counted in ClinVar's aggregate classification.

Laboratory of Diagnostic Genome Analysis, Leiden University Medical Center (LUMC)
Classification: Likely benign. Review status: no assertion criteria provided. Collection method: clinical testing. Allele origin: germline. Affected: yes. Study: VKGL Data-share Consensus. Not counted in ClinVar's aggregate classification.

Literature cited by the submitters: PubMed 14551916 (cited by Eurofins Ntd Llc (ga)); PubMed 17143285 (cited by Eurofins Ntd Llc (ga) and Laboratory for Molecular Medicine, Mass General Brigham Personalized Medicine); PubMed 21387466 (cited by Eurofins Ntd Llc (ga)).

NM_005633.4(SOS1):c.3032A>G (p.Asn1011Ser)

Gene: SOS1 (SOS Ras/Rac guanine nucleotide exchange factor 1; minus strand). Cytogenetic location: 2p22.1.
Variant type: single nucleotide variant.
Coding change: c.3032A>G on transcript NM_005633.4 (MANE Select); coding-DNA position 3032, A replaced by G.
Protein change: p.Asn1011Ser; replaces asparagine 1011 with serine.
Molecular consequence: missense variant.
Genome position (GRCh38, 1-based): chr2:38,996,971, T>C on the plus strand (A>G on the coding strand, the complement: SOS1 is on the minus strand). VCF-style: chr2-38996971-T-C. GRCh37 (hg19) VCF-style: chr2-39224112-T-C.
Other names: p.N1011S:AAC>AGC; NM_005633.3(SOS1):c.3032A>G; c.3011A>G, p.Asn1004Ser (NM_001382394.1); c.3032A>G, p.Asn1011Ser (NM_001382395.1); short protein forms N1011S, N1004S.
Identifiers: ClinVar variation 40716 (VCV000040716.70), dbSNP rs8192671, ClinGen allele CA136129.